The following is an entry in ClinVar:

ClinVar aggregate classification (germline): Likely benign (0 of 4 stars; one submission).

Conditions:
BBIP1-related disorder. Also called: BBIP1-related condition.

gnomAD v4.1: 3 of 1,533,170 alleles (0.0002%); highest among the groups gnomAD compares: Admixed American, 0.0059%; no homozygotes.

Submission:

PreventionGenetics, part of Exact Sciences
Classification: Likely benign for BBIP1-related condition. Last evaluated: 2024-01-09. Review status: no assertion criteria provided. Collection method: clinical testing. Allele origin: germline.
Comment: This variant is classified as likely benign based on ACMG/AMP sequence variant interpretation guidelines (Richards et al. 2015 PMID: 25741868, with internal and published modifications).

NM_001195305.3(BBIP1):c.*8C>G

Gene: BBIP1 (BBSome interacting protein 1; minus strand). Cytogenetic location: 10q25.2.
Variant type: single nucleotide variant.
Coding change: c.*8C>G on transcript NM_001195305.3 (MANE Select); 8 bases downstream of the stop codon, C replaced by G.
Molecular consequence: 3 prime UTR variant.
Genome position (GRCh38, 1-based): chr10:110,900,352, G>C on the plus strand (C>G on the coding strand, the complement: BBIP1 is on the minus strand). VCF-style: chr10-110900352-G-C. GRCh37 (hg19) VCF-style: chr10-112660110-G-C.
Other names: c.*132C>G (NM_001195304.2); c.*8C>G (NM_001195306.2, NM_001195307.2, NM_001243783.3).
Identifiers: ClinVar variation 3352197 (VCV003352197.1).
Genomic context (GRCh38, chr10:110,900,352, plus strand): 5'-AGCATATTTTCTAGTTATTGTTAAATAGTAGATAAGGCAGGTTGTTCCCTAAAGTGCTCA[G>C]TTATCATTCAGTGGGTTATTTGCCGTTGATCCTTTTCTGCCATTTCTTGTTGGCGAATTG-3'